The following is an entry in ClinVar:

ClinVar aggregate classification (germline): Uncertain significance (1 of 4 stars; one submission).

Submission:

GeneDx
Classification: Uncertain significance. Last evaluated: 2024-11-20. Review status: criteria provided, single submitter. Criteria: GeneDx Variant Classification Process June 2021. Collection method: clinical testing. Allele origin: germline. Affected: yes.
Comment: Not observed at significant frequency in large population cohorts (gnomAD); In silico analysis supports that this missense variant has a deleterious effect on protein structure/function; Has not been previously published as pathogenic or benign to our knowledge

NM_001519.4(BRF1):c.1106A>T (p.Glu369Val)

Gene: BRF1 (BRF1 general transcription factor IIIB subunit; minus strand). Cytogenetic location: 14q32.33.
Variant type: single nucleotide variant.
Coding change: c.1106A>T on transcript NM_001519.4 (MANE Select); coding-DNA position 1106, A replaced by T.
Protein change: p.Glu369Val; replaces glutamic acid 369 with valine.
Molecular consequence: missense variant.
Genome position (GRCh38, 1-based): chr14:105,221,857, T>A on the plus strand (A>T on the coding strand, the complement: BRF1 is on the minus strand). VCF-style: chr14-105221857-T-A. GRCh37 (hg19) VCF-style: chr14-105688194-T-A.
Other names: c.761A>T, p.Glu254Val (NM_001242786.2, NM_001242787.2); c.1025A>T, p.Glu342Val (NM_001242788.2); c.392A>T, p.Glu131Val (NM_001242789.2); c.494A>T, p.Glu165Val (NM_145685.3); short protein forms E131V, E165V, E254V, E342V, E369V.
Identifiers: ClinVar variation 3900421 (VCV003900421.1).